The following is an entry in ClinVar:

NM_002317.7(LOX):c.740+4C>T

Genes: LOX (lysyl oxidase; minus strand), SRFBP1 (serum response factor binding protein 1; plus strand). Cytogenetic location: 5q23.1.
Variant type: single nucleotide variant.
Coding change: c.740+4C>T on transcript NM_002317.7 (MANE Select); 4 bases into the intron after coding-DNA position 740, C replaced by T.
Molecular consequence: intron variant.
Genome position (GRCh38, 1-based): chr5:122,076,889, G>A on the plus strand (C>T on the coding strand, the complement: LOX is on the minus strand). VCF-style: chr5-122076889-G-A. GRCh37 (hg19) VCF-style: chr5-121412584-G-A.
Other names: c.50+4C>T (NM_001178102.2); c.-152+203C>T (NM_001317073.1).
Identifiers: ClinVar variation 1597224 (VCV001597224.9), dbSNP rs776788935, ClinGen allele CA3383961.

ClinVar aggregate classification (germline): Likely benign. Review status: criteria provided, multiple submitters, no conflicts (2 of 4 stars). 2 submissions from 2 submitters: Likely benign (2). Last evaluated 2026-09-21.

Allele frequency attached by ClinVar (database versions not stated): gnomAD exomes 0.00008 and 0.00015; gnomAD 0.00003; TOPMed below 0.00001; ExAC 0.00021.
gnomAD v4.1: 115 of 1,613,632 alleles (0.0071%); highest among the groups gnomAD compares: South Asian, 0.12%; 1 homozygote.

Submissions (2):

Molecular Diagnostic Laboratory for Inherited Cardiovascular Disease, Montreal Heart Institute
Classification: Likely benign. Last evaluated: 2026-09-21. Review status: criteria provided, single submitter. Criteria: ACMG Guidelines, 2015. Collection method: clinical testing. Allele origin: germline. Affected: no.
Comment: BS1;BP4

Labcorp Genetics (formerly Invitae), Labcorp
Classification: Likely benign. Last evaluated: 2024-06-26. Review status: criteria provided, single submitter. Criteria: Invitae Variant Classification Sherloc (09022015). Collection method: clinical testing. Allele origin: germline.